The following is an entry in ClinVar:

ClinVar aggregate classification (germline): Likely benign (1 of 4 stars; one submission).

Conditions:
Nicolaides-Baraitser syndrome (NCBRS). Also called: SMARCA2-Related Nicolaides-Baraitser Syndrome; Intellectual disability-sparse hair-brachydactyly syndrome. Identifiers: Orphanet 3051, MedGen C1303073, MONDO:0011053, OMIM 601358.

Submission:

Institute of Human Genetics, University of Leipzig Medical Center
Classification: Likely benign for Nicolaides-Baraitser syndrome. Last evaluated: 2019-01-01. Review status: criteria provided, single submitter. Criteria: ACMG Guidelines, 2015. Collection method: clinical testing. Allele origin: unknown. Affected: yes.
Comment: This variant was identified as compound heterozygous.

NM_003070.5(SMARCA2):c.3230C>G (p.Ser1077Cys)

Gene: SMARCA2 (SWI/SNF related BAF chromatin remodeling complex subunit ATPase 2; plus strand). Cytogenetic location: 9p24.3.
Variant type: single nucleotide variant.
Coding change: c.3230C>G on transcript NM_003070.5 (MANE Select); coding-DNA position 3230, C replaced by G.
Protein change: p.Ser1077Cys; replaces serine 1077 with cysteine.
Molecular consequence: missense variant.
Genome position (GRCh38, 1-based): chr9:2,104,107, C>G. VCF-style: chr9-2104107-C-G. GRCh37 (hg19) VCF-style: chr9-2104107-C-G.
Other names: c.3230C>G, p.Ser1077Cys (NM_001289396.2, NM_139045.4); c.3056C>G, p.Ser1019Cys (NM_001289397.2); short protein forms S1019C, S1077C.
Identifiers: ClinVar variation 982924 (VCV000982924.1), dbSNP rs1822649784, ClinGen allele CA372787382.